The following is an entry in ClinVar:

ClinVar aggregate classification (germline): Uncertain significance. Review status: criteria provided, multiple submitters, no conflicts (2 of 4 stars). 2 submissions from 2 submitters: Uncertain significance (2). Last evaluated 2026-07-07.

Conditions:
Hereditary cancer-predisposing syndrome. Also called: Hereditary neoplastic syndrome; Neoplastic Syndromes, Hereditary; Tumor predisposition; Hereditary Cancer Syndrome. Identifiers: Orphanet 140162, MedGen C0027672, MeSH D009386, MONDO:0015356.
Carney complex, type 1 (CNC1). Also called: CARNEY MYXOMA-ENDOCRINE COMPLEX; CARNEY COMPLEX, TYPE I. Identifiers: Orphanet 1359, MedGen C2607929, MONDO:0008057, OMIM 160980.

Submissions (2):

Ambry Genetics
Classification: Uncertain significance for Hereditary cancer-predisposing syndrome. Last evaluated: 2026-07-07. Review status: criteria provided, single submitter. Criteria: Ambry Variant Classification Scheme 2023. Collection method: clinical testing. Allele origin: germline.
Comment: The p.C39Y variant (also known as c.116G>A), located in coding exon 1 of the PRKAR1A gene, results from a G to A substitution at nucleotide position 116. The cysteine at codon 39 is replaced by tyrosine, an amino acid with highly dissimilar properties. This amino acid position is conserved. In addition, this alteration is predicted to be deleterious by in silico analysis. Based on the available evidence, the clinical significance of this variant remains unclear.

Labcorp Genetics (formerly Invitae), Labcorp
Classification: Uncertain significance for Carney complex, type 1. Last evaluated: 2021-12-29. Review status: criteria provided, single submitter. Criteria: Invitae Variant Classification Sherloc (09022015). Collection method: clinical testing. Allele origin: germline.
Comment: In summary, the available evidence is currently insufficient to determine the role of this variant in disease. Therefore, it has been classified as a Variant of Uncertain Significance. Algorithms developed to predict the effect of missense changes on protein structure and function are either unavailable or do not agree on the potential impact of this missense change (SIFT: "Deleterious"; PolyPhen-2: "Probably Damaging"; Align-GVGD: "Class C0"). This variant has not been reported in the literature in individuals affected with PRKAR1A-related conditions. This variant is not present in population databases (gnomAD no frequency). This sequence change replaces cysteine, which is neutral and slightly polar, with tyrosine, which is neutral and polar, at codon 39 of the PRKAR1A protein (p.Cys39Tyr).

NM_002734.5(PRKAR1A):c.116G>A (p.Cys39Tyr)

Gene: PRKAR1A (protein kinase cAMP-dependent type I regulatory subunit alpha; plus strand). Cytogenetic location: 17q24.2.
Variant type: single nucleotide variant.
Coding change: c.116G>A on transcript NM_002734.5 (MANE Select); coding-DNA position 116, G replaced by A.
Protein change: p.Cys39Tyr; replaces cysteine 39 with tyrosine.
Molecular consequence: missense variant.
Genome position (GRCh38, 1-based): chr17:68,515,515, G>A. VCF-style: chr17-68515515-G-A. GRCh37 (hg19) VCF-style: chr17-66511656-G-A.
Other names: c.116G>A (NM_002734.3); c.116G>A, p.Cys39Tyr (NM_001276289.2, NM_001276290.1, NM_001278433.2 and 4 more transcripts); short protein forms C39Y.
Identifiers: ClinVar variation 1965470 (VCV001965470.6), dbSNP rs2143152025, ClinGen allele CA400752001.